The following is an entry in ClinVar:

ClinVar aggregate classification (germline): Benign/Likely benign. Review status: criteria provided, multiple submitters, no conflicts (2 of 4 stars). 3 submissions from 3 submitters: Benign (1); Likely benign (2). Last evaluated 2026-02-16.

Conditions:
Hereditary cancer-predisposing syndrome. Also called: Tumor predisposition; Hereditary Cancer Syndrome; Hereditary neoplastic syndrome; Neoplastic Syndromes, Hereditary. Identifiers: Orphanet 140162, MedGen C0027672, MeSH D009386, MONDO:0015356.
Lynch syndrome 4 (LYNCH4). Also called: Colorectal cancer, hereditary nonpolyposis, type 4; Hereditary non-polyposis colorectal cancer, type 4. Identifiers: Orphanet 144, MedGen C1838333, MONDO:0013699, OMIM 614337. Disease mechanism: loss of function.

Submissions (3):

Ambry Genetics
Classification: Likely benign for Hereditary cancer-predisposing syndrome. Last evaluated: 2026-02-16. Review status: criteria provided, single submitter. Criteria: Ambry Variant Classification Scheme 2023. Collection method: clinical testing. Allele origin: germline.

Myriad Genetics, Inc.
Classification: Benign for Lynch syndrome 4. Last evaluated: 2025-02-04. Review status: criteria provided, single submitter. Criteria: Myriad Autosomal Dominant, Autosomal Recessive and X-Linked Classification Criteria (2023). Collection method: clinical testing. Allele origin: unknown.
Comment: This variant is considered benign. This variant is a silent/synonymous amino acid change and it is not expected to impact splicing.

Color Diagnostics, LLC DBA Color Health
Classification: Likely benign for Hereditary cancer-predisposing syndrome. Last evaluated: 2023-07-10. Review status: criteria provided, single submitter. Criteria: ACMG Guidelines, 2015. Collection method: clinical testing. Allele origin: germline.

NM_000535.7(PMS2):c.2559C>A (p.Ile853=)

Gene: PMS2 (PMS1 homolog 2, mismatch repair system component; minus strand). Cytogenetic location: 7p22.1.
Variant type: single nucleotide variant.
Coding change: c.2559C>A on transcript NM_000535.7 (MANE Select); coding-DNA position 2559, C replaced by A.
Protein change: p.Ile853=; no amino-acid change (isoleucine 853 retained).
Molecular consequence: synonymous variant. On other transcripts: non-coding transcript variant (1).
Genome position (GRCh38, 1-based): chr7:5,973,429, G>T on the plus strand (C>A on the coding strand, the complement: PMS2 is on the minus strand). VCF-style: chr7-5973429-G-T. GRCh37 (hg19) VCF-style: chr7-6013060-G-T.
Other names: c.2154C>A, p.Ile718= (NM_001018040.1, NM_001322003.2, NM_001322004.2 and 12 more transcripts); c.2403C>A, p.Ile801= (NM_001322006.2); c.2241C>A, p.Ile747= (NM_001322007.2, NM_001322008.2, NM_001406883.1); c.2187C>A, p.Ile729= (NM_001322009.2, NM_001406887.1, NM_001406888.1); c.1998C>A, p.Ile666= (NM_001322010.2, NM_001406906.1, NM_001406907.1); c.1626C>A, p.Ile542= (NM_001322011.2, NM_001322012.2); c.1986C>A, p.Ile662= (NM_001322013.2, NM_001406908.1, NM_001406909.1); c.2592C>A, p.Ile864= (NM_001322014.2); and 20 more.
Identifiers: ClinVar variation 2774117 (VCV002774117.4), dbSNP rs371673459, ClinGen allele CA453642012.